The following is an entry in ClinVar:

ClinVar aggregate classification (germline): Pathogenic. Review status: criteria provided, single submitter (1 of 4 stars). 2 submissions from 2 submitters: Pathogenic (1). 1 of the submissions does not count toward it. Last evaluated 2022-10-20.

Conditions:
Early-infantile DEE. Also called: Ohtahara syndrome; Early infantile epileptic encephalopathy; Early infantile epileptic encephalopathy with suppression bursts. Identifiers: Orphanet 1934, MedGen C0393706, MONDO:0800491.
Seizures, benign familial neonatal, 1. Also called: KCNQ2-Related Benign Familial Neonatal Epilepsy; Seizures, benign neonatal, 1; Benign Neonatal Epilepsy 1; KCNQ2-Related Self-Limited Familial Neonatal Epilepsy (SLFNE). Identifiers: Orphanet 1949, MedGen C3149074, MONDO:0007365, OMIM 121200.

Submissions (2):

Labcorp Genetics (formerly Invitae), Labcorp
Classification: Pathogenic for Early-infantile DEE. Last evaluated: 2022-10-20. Review status: criteria provided, single submitter. Criteria: Invitae Variant Classification Sherloc (09022015). Collection method: clinical testing. Allele origin: germline.
Comment: For these reasons, this variant has been classified as Pathogenic. Advanced modeling of protein sequence and biophysical properties (such as structural, functional, and spatial information, amino acid conservation, physicochemical variation, residue mobility, and thermodynamic stability) performed at Invitae indicates that this missense variant is expected to disrupt KCNQ2 protein function. ClinVar contains an entry for this variant (Variation ID: 219241). This missense change has been observed in individual(s) with benign familial neonatal seizures and clinical features of neonatal epileptic encephalopathy (PMID: 27535030; Invitae). In at least one individual the variant was observed to be de novo. This variant is not present in population databases (gnomAD no frequency). This sequence change replaces leucine, which is neutral and non-polar, with phenylalanine, which is neutral and non-polar, at codon 107 of the KCNQ2 protein (p.Leu107Phe).

NeuroMeGen, Hospital Clinico Santiago de Compostela
Classification: Pathogenic for Seizures, benign familial neonatal, 1. Review status: no assertion criteria provided. Criteria: ACMG Guidelines, 2015. Collection method: clinical testing. Allele origin: de novo. Affected: yes. Not counted in ClinVar's aggregate classification.

Literature cited by the submitters: PubMed 27535030 (cited by Labcorp Genetics (formerly Invitae), Labcorp).

NM_172107.4(KCNQ2):c.319C>T (p.Leu107Phe)

Gene: KCNQ2 (potassium voltage-gated channel subfamily Q member 2; minus strand). Cytogenetic location: 20q13.33.
Variant type: single nucleotide variant.
Coding change: c.319C>T on transcript NM_172107.4 (MANE Select); coding-DNA position 319, C replaced by T.
Protein change: p.Leu107Phe; replaces leucine 107 with phenylalanine.
Molecular consequence: missense variant.
Genome position (GRCh38, 1-based): chr20:63,446,815, G>A on the plus strand (C>T on the coding strand, the complement: KCNQ2 is on the minus strand). VCF-style: chr20-63446815-G-A. GRCh37 (hg19) VCF-style: chr20-62078168-G-A.
Other names: c.319C>T, p.Leu107Phe (NM_004518.6, NM_172106.3, NM_172108.5 and 1 more transcripts); short protein forms L107F.
Identifiers: ClinVar variation 219241 (VCV000219241.9), dbSNP rs864321712, ClinGen allele CA347947.